The following is an entry in ClinVar:

ClinVar aggregate classification (germline): Benign/Likely benign. Review status: criteria provided, multiple submitters, no conflicts (2 of 4 stars). 5 submissions from 5 submitters: Benign (3); Likely benign (1). 1 of the submissions does not count toward it. Last evaluated 2026-01-27.

Conditions:
FREM1-related disorder. Also called: FREM1-related condition; FREM1-Related Disorders.
Oculotrichoanal syndrome (MOTA). Also called: MARLES SYNDROME; Manitoba Oculotrichoanal (MOTA) Syndrome. Identifiers: Orphanet 2717, MedGen C1855425, MONDO:0009560, OMIM 248450.

Allele frequency attached by ClinVar (database versions not stated): gnomAD exomes 0.00047 and 0.00128; ExAC 0.00160; 1000 Genomes Project 30x 0.00328; 1000 Genomes Project 0.00339; gnomAD 0.00518 and 0.00569; ESP Exome Variant Server 0.00546; TOPMed 0.00608.
gnomAD v4.1: 1,520 of 1,613,332 alleles (0.094%); highest among the groups gnomAD compares: African/African-American, 1.8%; 16 homozygotes.

Submissions (5):

Labcorp Genetics (formerly Invitae), Labcorp
Classification: Benign. Last evaluated: 2026-01-27. Review status: criteria provided, single submitter. Criteria: Invitae Variant Classification Sherloc (09022015). Collection method: clinical testing. Allele origin: germline.

Blueprint Genetics
Classification: Likely benign. Last evaluated: 2024-11-25. Review status: criteria provided, single submitter. Criteria: ACMG Guidelines, 2015. Collection method: clinical testing. Allele origin: germline.

Illumina Laboratory Services, Illumina
Classification: Benign for Oculotrichoanal syndrome. Last evaluated: 2018-01-13. Review status: criteria provided, single submitter. Criteria: ICSL Variant Classification Criteria 13 December 2019. Collection method: clinical testing. Allele origin: germline.
Comment: This variant was observed in the ICSL laboratory as part of a predisposition screen in an ostensibly healthy population. It had not been previously curated by ICSL or reported in the Human Gene Mutation Database (HGMD: prior to June 1st, 2018), and was therefore a candidate for classification through an automated scoring system. Utilizing variant allele frequency, disease prevalence and penetrance estimates, and inheritance mode, an automated score was calculated to assess if this variant is too frequent to cause the disease. Based on the score and internal cut-off values, a variant classified as benign is not then subjected to further curation. The score for this variant resulted in a classification of benign for this disease.

Breakthrough Genomics
Classification: Benign. Review status: criteria provided, single submitter. Criteria: ACMG Guidelines, 2015. Collection method: not provided. Allele origin: germline. Inheritance: Autosomal recessive inheritance. Affected: yes.

PreventionGenetics, part of Exact Sciences
Classification: Benign for FREM1-related condition. Last evaluated: 2019-03-26. Review status: no assertion criteria provided. Collection method: clinical testing. Allele origin: germline. Not counted in ClinVar's aggregate classification.
Comment: This variant is classified as benign based on ACMG/AMP sequence variant interpretation guidelines (Richards et al. 2015 PMID: 25741868, with internal and published modifications).

NM_001379081.2(FREM1):c.5466T>C (p.Asp1822=)

Gene: FREM1 (FRAS1 related extracellular matrix 1; minus strand). Cytogenetic location: 9p22.3.
Variant type: single nucleotide variant.
Coding change: c.5466T>C on transcript NM_001379081.2 (MANE Select); coding-DNA position 5466, T replaced by C.
Protein change: p.Asp1822=; no amino-acid change (aspartic acid 1822 retained).
Molecular consequence: synonymous variant. On other transcripts: non-coding transcript variant (2), intron variant (1).
Genome position (GRCh38, 1-based): chr9:14,750,218, A>G on the plus strand (T>C on the coding strand, the complement: FREM1 is on the minus strand). VCF-style: chr9-14750218-A-G. GRCh37 (hg19) VCF-style: chr9-14750216-A-G.
Other names: c.1074T>C, p.Asp358= (NM_001177704.3, NM_001370061.2); c.5466T>C, p.Asp1822= (NM_144966.7); c.1016-1579T>C (NM_001370058.2).
Identifiers: ClinVar variation 366111 (VCV000366111.17), dbSNP rs61741992, ClinGen allele CA4989748.